The following is an entry in ClinVar:

ClinVar aggregate classification (germline): Likely benign. Review status: criteria provided, multiple submitters, no conflicts (2 of 4 stars). 2 submissions from 2 submitters: Likely benign (2). Last evaluated 2024-04-24.

Conditions:
Early-infantile DEE. Also called: Early infantile epileptic encephalopathy; Ohtahara syndrome; Early infantile epileptic encephalopathy with suppression bursts. Identifiers: Orphanet 1934, MedGen C0393706, MONDO:0800491.

Allele frequency attached by ClinVar (database versions not stated): gnomAD 0.00001; TOPMed 0.00001.
gnomAD v4.1: 2 of 1,612,378 alleles (0.00012%); highest among the groups gnomAD compares: African/African-American, 0.0027%; no homozygotes.

Submissions (2):

Labcorp Genetics (formerly Invitae), Labcorp
Classification: Likely benign for Early-infantile DEE. Last evaluated: 2024-04-24. Review status: criteria provided, single submitter. Criteria: Invitae Variant Classification Sherloc (09022015). Collection method: clinical testing. Allele origin: germline.

GeneDx
Classification: Likely benign. Last evaluated: 2017-10-19. Review status: criteria provided, single submitter. Criteria: GeneDx Variant Classification (06012015). Collection method: clinical testing. Allele origin: germline. Affected: yes.
Comment: This variant is considered likely benign or benign based on one or more of the following criteria: it is a conservative change, it occurs at a poorly conserved position in the protein, it is predicted to be benign by multiple in silico algorithms, and/or has population frequency not consistent with disease.

NM_172107.4(KCNQ2):c.385C>T (p.Leu129=)

Gene: KCNQ2 (potassium voltage-gated channel subfamily Q member 2; minus strand). Cytogenetic location: 20q13.33.
Variant type: single nucleotide variant.
Coding change: c.385C>T on transcript NM_172107.4 (MANE Select); coding-DNA position 385, C replaced by T.
Protein change: p.Leu129=; no amino-acid change (leucine 129 retained).
Molecular consequence: synonymous variant.
Genome position (GRCh38, 1-based): chr20:63,446,749, G>A on the plus strand (C>T on the coding strand, the complement: KCNQ2 is on the minus strand). VCF-style: chr20-63446749-G-A. GRCh37 (hg19) VCF-style: chr20-62078102-G-A.
Other names: c.385C>T, p.Leu129= (NM_004518.6, NM_172106.3, NM_172108.5 and 1 more transcripts).
Identifiers: ClinVar variation 516520 (VCV000516520.5), dbSNP rs1381622639, ClinGen allele CA511212267.